The following is an entry in ClinVar:

NM_005908.4(MANBA):c.-58G>A

Gene: MANBA (mannosidase beta; minus strand). Cytogenetic location: 4q24.
Variant type: single nucleotide variant.
Coding change: c.-58G>A on transcript NM_005908.4 (MANE Select); 58 bases upstream of the start codon, G replaced by A.
Molecular consequence: 5 prime UTR variant.
Genome position (GRCh38, 1-based): chr4:102,760,952, C>T on the plus strand (G>A on the coding strand, the complement: MANBA is on the minus strand). VCF-style: chr4-102760952-C-T. GRCh37 (hg19) VCF-style: chr4-103682109-C-T.
Identifiers: ClinVar variation 347101 (VCV000347101.5), dbSNP rs548442432, ClinGen allele CA10617665.
Genomic context (GRCh38, chr4:102,760,952, plus strand): 5'-CATCTTGAGATCCCGCGCCACCGAGATGTGGAGAGATCGAAAGGCAGCGCTGCAAGGGAC[C>T]GGCGGTGAAGCCACTCACCCCCTCGGAAGTAGCCGAGGCTTTAGGTCCCCGCCCCGGCCC-3'

ClinVar aggregate classification (germline): Likely benign (1 of 4 stars; one submission).

Conditions:
Beta-D-mannosidosis (MANSB). Also called: LYSOSOMAL BETA-MANNOSIDASE DEFICIENCY; Beta-Mannosidosis; MANNOSIDOSIS, BETA A, LYSOSOMAL; BETA-MANNOSIDASE DEFICIENCY. Identifiers: Orphanet 118, MedGen C4048196, MONDO:0009562, OMIM 248510.

Allele frequency attached by ClinVar (database versions not stated): TOPMed 0.00222; 1000 Genomes Project 30x 0.00375; 1000 Genomes Project 0.00399.
gnomAD v4.1: 485 of 1,494,412 alleles (0.032%); highest among the groups gnomAD compares: African/African-American, 0.61%; 1 homozygote.

Submission:

Illumina Laboratory Services, Illumina
Classification: Likely benign for Beta-D-mannosidosis. Last evaluated: 2018-01-13. Review status: criteria provided, single submitter. Criteria: ICSL Variant Classification Criteria 13 December 2019. Collection method: clinical testing. Allele origin: germline.
Comment: This variant was observed in the ICSL laboratory as part of a predisposition screen in an ostensibly healthy population. It had not been previously curated by ICSL or reported in the Human Gene Mutation Database (HGMD: prior to June 1st, 2018), and was therefore a candidate for classification through an automated scoring system. Utilizing variant allele frequency, disease prevalence and penetrance estimates, and inheritance mode, an automated score was calculated to assess if this variant is too frequent to cause the disease. Based on the score and internal cut-off values, a variant classified as likely benign is not then subjected to further curation. The score for this variant resulted in a classification of likely benign for this disease.